The following is an entry in ClinVar:

ClinVar aggregate classification (germline): Uncertain significance. Review status: criteria provided, multiple submitters, no conflicts (2 of 4 stars). 2 submissions from 2 submitters: Uncertain significance (2). Last evaluated 2022-06-16.

Conditions:
Emery-Dreifuss muscular dystrophy 4, autosomal dominant (EDMD4). Also called: EMERY-DREIFUSS MUSCULAR DYSTROPHY 4 WITH VARIABLE FEATURES. Identifiers: Orphanet 261, MedGen C2751807, MONDO:0013071, OMIM 612998.
Autosomal recessive ataxia, Beauce type. Also called: SYNE1 Deficiency; Spinocerebellar ataxia, autosomal recessive 8; ATAXIA, RECESSIVE, OF BEAUCE; SYNE1-Related Autosomal Recessive Cerebellar Ataxia. Identifiers: Orphanet 88644, MedGen C1853116, MONDO:0012549, OMIM 610743.

Allele frequency attached by ClinVar (database versions not stated): gnomAD 0.00001; TOPMed 0.00004.
gnomAD v4.1: 4 of 1,614,086 alleles (0.00025%); highest among the groups gnomAD compares: Non-Finnish European, 0.00025%; no homozygotes.

Submissions (2):

Labcorp Genetics (formerly Invitae), Labcorp
Classification: Uncertain significance for Emery-Dreifuss muscular dystrophy 4, autosomal dominant; Autosomal recessive ataxia, Beauce type. Last evaluated: 2022-06-16. Review status: criteria provided, single submitter. Criteria: Invitae Variant Classification Sherloc (09022015). Collection method: clinical testing. Allele origin: germline.
Comment: In summary, the available evidence is currently insufficient to determine the role of this variant in disease. Therefore, it has been classified as a Variant of Uncertain Significance. Algorithms developed to predict the effect of missense changes on protein structure and function are either unavailable or do not agree on the potential impact of this missense change (SIFT: "Deleterious"; PolyPhen-2: "Benign"; Align-GVGD: "Class C55"). ClinVar contains an entry for this variant (Variation ID: 500899). This variant has not been reported in the literature in individuals affected with SYNE1-related conditions. This variant is not present in population databases (gnomAD no frequency). This sequence change replaces threonine, which is neutral and polar, with alanine, which is neutral and non-polar, at codon 4454 of the SYNE1 protein (p.Thr4454Ala).

Eurofins Ntd Llc (ga)
Classification: Uncertain significance. Last evaluated: 2017-03-21. Review status: criteria provided, single submitter. Criteria: EGL Classification Definitions 2015. Collection method: clinical testing. Allele origin: germline. Observed: 1 variant allele, 1 heterozygote.

NM_182961.4(SYNE1):c.13573A>G (p.Thr4525Ala)

Gene: SYNE1 (spectrin repeat containing nuclear envelope protein 1; minus strand). Cytogenetic location: 6q25.2.
Variant type: single nucleotide variant.
Coding change: c.13573A>G on transcript NM_182961.4 (MANE Select); coding-DNA position 13573, A replaced by G.
Protein change: p.Thr4525Ala; replaces threonine 4525 with alanine.
Molecular consequence: missense variant.
Genome position (GRCh38, 1-based): chr6:152,331,112, T>C on the plus strand (A>G on the coding strand, the complement: SYNE1 is on the minus strand). VCF-style: chr6-152331112-T-C. GRCh37 (hg19) VCF-style: chr6-152652247-T-C.
Other names: c.13360A>G, p.Thr4454Ala (NM_033071.5); short protein forms T4454A, T4525A.
Identifiers: ClinVar variation 500899 (VCV000500899.13), dbSNP rs909205583, ClinGen allele CA150177538.
Genomic context (GRCh38, chr6:152,331,112, plus strand): 5'-TGTCATAGACACTCTGCAATTCCTGAAGCTTCCCCAGCACTTCACTCTTTTCCTGCTCTG[T>C]GACTTCCTTCATTAGTTCGCGACCCTGGGCCCAAAGTCCAGTGACTTCATTTTGGTAAGT-3'
Protein context (NP_892006.3, residues 4515-4535): AQGRELMKEV[Thr4525Ala]EQEKSEVLGK